The following is an entry in ClinVar:

ClinVar aggregate classification (germline): Uncertain significance (1 of 4 stars; one submission).

Conditions:
Idiopathic generalized epilepsy. Also called: Generalised epilepsy; EIG. Identifiers: MedGen C0270850, MONDO:0005579, OMIM 600669.

Allele frequency attached by ClinVar (database versions not stated): TOPMed below 0.00001; gnomAD exomes 0.00001 and 0.00002; ExAC 0.00002.
gnomAD v4.1: 7 of 1,612,810 alleles (0.00043%); highest among the groups gnomAD compares: Admixed American, 0.0033%; no homozygotes.

Submission:

Labcorp Genetics (formerly Invitae), Labcorp
Classification: Uncertain significance for Idiopathic generalized epilepsy. Last evaluated: 2024-06-17. Review status: criteria provided, single submitter. Criteria: Invitae Variant Classification Sherloc (09022015). Collection method: clinical testing. Allele origin: germline.
Comment: This sequence change replaces glycine, which is neutral and non-polar, with serine, which is neutral and polar, at codon 150 of the GABRD protein (p.Gly150Ser). This variant is present in population databases (rs781431062, gnomAD 0.006%). This missense change has been observed in individual(s) with neurodevelopmental disorder (PMID: 33057194). ClinVar contains an entry for this variant (Variation ID: 954488). An algorithm developed to predict the effect of missense changes on protein structure and function (PolyPhen-2) suggests that this variant is likely to be disruptive. In summary, the available evidence is currently insufficient to determine the role of this variant in disease. Therefore, it has been classified as a Variant of Uncertain Significance.

Literature cited by the submitters: PubMed 33057194.

NM_000815.5(GABRD):c.448G>A (p.Gly150Ser)

Gene: GABRD (gamma-aminobutyric acid type A receptor subunit delta; plus strand). Cytogenetic location: 1p36.33.
Variant type: single nucleotide variant.
Coding change: c.448G>A on transcript NM_000815.5 (MANE Select); coding-DNA position 448, G replaced by A.
Protein change: p.Gly150Ser; replaces glycine 150 with serine.
Molecular consequence: missense variant.
Genome position (GRCh38, 1-based): chr1:2,025,716, G>A. VCF-style: chr1-2025716-G-A. GRCh37 (hg19) VCF-style: chr1-1957155-G-A.
Other names: short protein forms G150S.
Identifiers: ClinVar variation 954488 (VCV000954488.9), dbSNP rs781431062, ClinGen allele CA534640.
Genomic context (GRCh38, chr1:2,025,716, plus strand): 5'-AAGTCGGCCTGGTTCCACGACGTGACGGTGGAGAACAAGCTCATCCGGCTGCAGCCCGAC[G>A]GCGTGATCCTGTACAGCATCCGGTGAGCGGGCTGCCCACCCGGACTCCGGGGGAGAGCCT-3'
Protein context (NP_000806.2, residues 140-160): ENKLIRLQPD[Gly150Ser]VILYSIRITS